The following is an entry in ClinVar:

ClinVar aggregate classification (germline): Uncertain significance. Review status: criteria provided, multiple submitters, no conflicts (2 of 4 stars). 2 submissions from 2 submitters: Uncertain significance (2). Last evaluated 2024-04-05.

Conditions:
Seizures, benign familial infantile, 3 (BFIS3). Also called: Familial neonatal seizures; CONVULSIONS, BENIGN FAMILIAL INFANTILE, 3. Identifiers: Orphanet 140927, Orphanet 306, MedGen C1843140, MONDO:0011904, OMIM 607745.
Developmental and epileptic encephalopathy, 11 (DEE11). Also called: Early infantile epileptic encephalopathy 11. Identifiers: Orphanet 1934, MedGen C3150987, MONDO:0013388, OMIM 613721.

Submissions (2):

Labcorp Genetics (formerly Invitae), Labcorp
Classification: Uncertain significance for Seizures, benign familial infantile, 3; Developmental and epileptic encephalopathy, 11. Last evaluated: 2024-04-05. Review status: criteria provided, single submitter. Criteria: Invitae Variant Classification Sherloc (09022015). Collection method: clinical testing. Allele origin: germline.
Comment: This sequence change replaces alanine, which is neutral and non-polar, with valine, which is neutral and non-polar, at codon 1224 of the SCN2A protein (p.Ala1224Val). This variant is not present in population databases (gnomAD no frequency). This variant has not been reported in the literature in individuals affected with SCN2A-related conditions. ClinVar contains an entry for this variant (Variation ID: 1702767). Advanced modeling of protein sequence and biophysical properties (such as structural, functional, and spatial information, amino acid conservation, physicochemical variation, residue mobility, and thermodynamic stability) performed at Invitae indicates that this missense variant is expected to disrupt SCN2A protein function with a positive predictive value of 95%. In summary, the available evidence is currently insufficient to determine the role of this variant in disease. Therefore, it has been classified as a Variant of Uncertain Significance.

GeneDx
Classification: Uncertain significance. Last evaluated: 2023-07-05. Review status: criteria provided, single submitter. Criteria: GeneDx Variant Classification Process June 2021. Collection method: clinical testing. Allele origin: germline.
Comment: Not observed at significant frequency in large population cohorts (gnomAD); Missense variants in this gene are often considered pathogenic (HGMD); In silico analysis supports that this missense variant has a deleterious effect on protein structure/function; This substitution is predicted to be within the transmembrane segment S1 of the third homologous domain; Has not been previously published as pathogenic or benign to our knowledge

NM_001040142.2(SCN2A):c.3671C>T (p.Ala1224Val)

Gene: SCN2A (sodium voltage-gated channel alpha subunit 2; plus strand). Cytogenetic location: 2q24.3.
Variant type: single nucleotide variant.
Coding change: c.3671C>T on transcript NM_001040142.2 (MANE Select); coding-DNA position 3671, C replaced by T.
Protein change: p.Ala1224Val; replaces alanine 1224 with valine.
Molecular consequence: missense variant.
Genome position (GRCh38, 1-based): chr2:165,367,367, C>T. VCF-style: chr2-165367367-C-T. GRCh37 (hg19) VCF-style: chr2-166223877-C-T.
Other names: c.3671C>T, p.Ala1224Val (NM_001040143.2, NM_001371246.1, NM_001371247.1 and 1 more transcripts); short protein forms A1224V.
Identifiers: ClinVar variation 1702767 (VCV001702767.5), dbSNP rs2105359828, ClinGen allele CA349026474.